The following is an entry in ClinVar:

NM_004369.4(COL6A3):c.8264C>T (p.Ala2755Val)

Gene: COL6A3 (collagen type VI alpha 3 chain; minus strand). Cytogenetic location: 2q37.3.
Variant type: single nucleotide variant.
Coding change: c.8264C>T on transcript NM_004369.4 (MANE Select); coding-DNA position 8264, C replaced by T.
Protein change: p.Ala2755Val; replaces alanine 2755 with valine.
Molecular consequence: missense variant.
Genome position (GRCh38, 1-based): chr2:237,340,652, G>A on the plus strand (C>T on the coding strand, the complement: COL6A3 is on the minus strand). VCF-style: chr2-237340652-G-A. GRCh37 (hg19) VCF-style: chr2-238249295-G-A.
Other names: c.6443C>T, p.Ala2148Val (NM_057166.5); c.7646C>T, p.Ala2549Val (NM_057167.4); short protein forms A2148V, A2755V, A2549V.
Identifiers: ClinVar variation 1394577 (VCV001394577.8), dbSNP rs770586429, ClinGen allele CA351195704.

ClinVar aggregate classification (germline): Uncertain significance (1 of 4 stars; one submission).

Conditions:
Bethlem myopathy 1A. Also called: Bethlem myopathy 1; Bethlem Muscular Dystrophy; MYOPATHY, BENIGN CONGENITAL, WITH CONTRACTURES. Identifiers: Orphanet 610, MedGen CN029274, MONDO:0024530, OMIM 158810.

Allele frequency attached by ClinVar (database versions not stated): TOPMed below 0.00001.
gnomAD v4.1: 3 of 1,614,200 alleles (0.00019%); highest among the groups gnomAD compares: Non-Finnish European, 0.00025%; no homozygotes.

Submission:

Labcorp Genetics (formerly Invitae), Labcorp
Classification: Uncertain significance for Bethlem myopathy 1A. Last evaluated: 2023-01-13. Review status: criteria provided, single submitter. Criteria: Invitae Variant Classification Sherloc (09022015). Collection method: clinical testing. Allele origin: germline.
Comment: In summary, the available evidence is currently insufficient to determine the role of this variant in disease. Therefore, it has been classified as a Variant of Uncertain Significance. Advanced modeling of protein sequence and biophysical properties (such as structural, functional, and spatial information, amino acid conservation, physicochemical variation, residue mobility, and thermodynamic stability) performed at Invitae indicates that this missense variant is not expected to disrupt COL6A3 protein function. This sequence change replaces alanine, which is neutral and non-polar, with valine, which is neutral and non-polar, at codon 2755 of the COL6A3 protein (p.Ala2755Val). This variant is present in population databases (no rsID available, gnomAD 0.0009%). This variant has not been reported in the literature in individuals affected with COL6A3-related conditions. ClinVar contains an entry for this variant (Variation ID: 1394577).